The following is an entry in ClinVar:

ClinVar aggregate classification (germline): Conflicting classifications of pathogenicity. Review status: criteria provided, conflicting classifications (1 of 4 stars). 8 submissions from 8 submitters: Likely pathogenic (3); Uncertain significance (5). Last evaluated 2025-06-19.

Conditions:
TMC1-related disorder. Also called: TMC1-related condition; TMC1-related disorders.
Rare genetic deafness. Identifiers: Orphanet 96210, MedGen C5680250.
Autosomal recessive nonsyndromic hearing loss 7. Also called: DEAFNESS, AUTOSOMAL RECESSIVE 11. Identifiers: Orphanet 90636, MedGen C1832978, MONDO:0010967, OMIM 600974.

Allele frequency attached by ClinVar (database versions not stated): TOPMed 0.00002; gnomAD 0.00003; gnomAD exomes 0.00003 and 0.00004; ExAC 0.00004.
gnomAD v4.1: 64 of 1,613,936 alleles (0.004%); highest among the groups gnomAD compares: Non-Finnish European, 0.0052%; no homozygotes.

Submissions (8):

First Genomix Gene Laboratory, Genetic Diagnostics Department
Classification: Likely pathogenic for Autosomal recessive nonsyndromic hearing loss 7. Last evaluated: 2025-06-19. Review status: criteria provided, single submitter. Criteria: ACMG Guidelines, 2015. Collection method: clinical testing. Allele origin: germline. Inheritance: Autosomal recessive inheritance. Affected: no. Observed: 1 variant allele.

PreventionGenetics, part of Exact Sciences
Classification: Uncertain significance for TMC1-related condition. Last evaluated: 2025-04-30. Review status: criteria provided, single submitter. Criteria: ACMG Guidelines, 2015. Collection method: clinical testing. Allele origin: germline.
Comment: The TMC1 c.1141T>A variant is predicted to result in the amino acid substitution p.Tyr381Asn. This variant was reported in two individuals with non-syndromic hearing loss (Sommen et al. 2016. PubMed ID: 27068579; Likar et al. 2018. PubMed ID: 29293505). This variant is reported in 0.0062% of alleles in individuals of European (Non-Finnish) descent in gnomAD. At this time, the clinical significance of this variant is uncertain due to the absence of conclusive functional and genetic evidence.

Revvity Omics, Revvity
Classification: Uncertain significance. Last evaluated: 2024-12-21. Review status: criteria provided, single submitter. Criteria: ACMG Guidelines, 2015. Collection method: clinical testing. Allele origin: germline.

Labcorp Genetics (formerly Invitae), Labcorp
Classification: Uncertain significance. Last evaluated: 2024-06-12. Review status: criteria provided, single submitter. Criteria: Invitae Variant Classification Sherloc (09022015). Collection method: clinical testing. Allele origin: germline.
Comment: This sequence change replaces tyrosine, which is neutral and polar, with asparagine, which is neutral and polar, at codon 381 of the TMC1 protein (p.Tyr381Asn). This variant is present in population databases (rs749491943, gnomAD 0.006%). This missense change has been observed in individual(s) with autosomal recessive nonsyndromic deafness (PMID: 27068579). ClinVar contains an entry for this variant (Variation ID: 229314). Advanced modeling of protein sequence and biophysical properties (such as structural, functional, and spatial information, amino acid conservation, physicochemical variation, residue mobility, and thermodynamic stability) has been performed at Invitae for this missense variant, however the output from this modeling did not meet the statistical confidence thresholds required to predict the impact of this variant on TMC1 protein function. In summary, the available evidence is currently insufficient to determine the role of this variant in disease. Therefore, it has been classified as a Variant of Uncertain Significance.

GeneDx
Classification: Likely pathogenic. Last evaluated: 2020-11-18. Review status: criteria provided, single submitter. Criteria: GeneDx Variant Classification Process June 2021. Collection method: clinical testing. Allele origin: germline. Affected: yes.
Comment: Observed in other unrelated patients with hearing loss in published literature; variant was heterozygous with no other variant in one patient and was heterozygous with a second variant in the other patient, however, it is unknown if these variants were on the same allele (in cis) or on different alleles (in trans) (Sommen et al., 2016; Likar et al., 2018); In silico analysis, which includes protein predictors and evolutionary conservation, supports a deleterious effect; This variant is associated with the following publications: (PMID: 29889784, 27068579, 29293505, 24875298)

Laboratory for Molecular Medicine, Mass General Brigham Personalized Medicine
Classification: Likely pathogenic for Rare genetic deafness. Last evaluated: 2017-11-02. Review status: criteria provided, single submitter. Criteria: LMM Criteria. Collection method: clinical testing. Allele origin: germline. Inheritance: Autosomal recessive inheritance. Observed: 3 variant alleles.
Comment: The p.Tyr381Asn variant in TMC1 has been reported in 2 individuals with hearing loss in compound heterozygosity with another pathogenic TMC1 variant and segrega ted in an affected family member (Sommen 2016, LMM data). This variant has been identified in 7/126578 European chromosomes by the Genome Aggregation Database (gnomAD; dbSNP rs749491943); however, its freq uency is low enough to be consistent with a recessive carrier frequency for hear ing loss. Computational prediction tools and conservation analysis suggest that the p.Tyr381Asn variant may impact the protein, though this information is not p redictive enough to determine pathogenicity. In summary, although additional stu dies are required to fully establish its clinical significance, this variant is likely pathogenic for autosomal recessive nonsyndromic sensorineural hearing los s. ACMG/AMP criteria applied: PM3, PM2, PP1, PP3.

CeGaT Center for Human Genetics Tuebingen
Classification: Uncertain significance. Last evaluated: 2016-07-31. Review status: criteria provided, single submitter. Criteria: Praxis fuer Humangenetik Tuebingen - Variant Classification Criteria. Collection method: clinical testing. Allele origin: germline. Affected: yes. Observed: 2 variant alleles.

Centre for Mendelian Genomics, University Medical Centre Ljubljana
Classification: Uncertain significance for Autosomal recessive nonsyndromic hearing loss 7. Last evaluated: 2016-01-01. Review status: criteria provided, single submitter. Criteria: ACMG Guidelines, 2015. Collection method: clinical testing. Allele origin: unknown. Affected: yes.
Comment: This variant was classified as: Uncertain significance.

Literature cited by the submitters: PubMed 27068579 (cited by Labcorp Genetics (formerly Invitae), Labcorp and Laboratory for Molecular Medicine, Mass General Brigham Personalized Medicine); PubMed 24875298 (cited by Laboratory for Molecular Medicine, Mass General Brigham Personalized Medicine).

NM_138691.3(TMC1):c.1141T>A (p.Tyr381Asn)

Gene: TMC1 (transmembrane channel like 1; plus strand). Cytogenetic location: 9q21.13.
Variant type: single nucleotide variant.
Coding change: c.1141T>A on transcript NM_138691.3 (MANE Select); coding-DNA position 1141, T replaced by A.
Protein change: p.Tyr381Asn; replaces tyrosine 381 with asparagine.
Molecular consequence: missense variant.
Genome position (GRCh38, 1-based): chr9:72,789,234, T>A. VCF-style: chr9-72789234-T-A. GRCh37 (hg19) VCF-style: chr9-75404150-T-A.
Other names: short protein forms Y381N.
Identifiers: ClinVar variation 229314 (VCV000229314.17), dbSNP rs749491943, ClinGen allele CA5081882.